The following is an entry in ClinVar:

NM_001382430.1(AKT1):c.1122C>T (p.Pro374=)

Gene: AKT1 (AKT serine/threonine kinase 1; minus strand). Cytogenetic location: 14q32.33.
Variant type: single nucleotide variant.
Coding change: c.1122C>T on transcript NM_001382430.1 (MANE Select); coding-DNA position 1122, C replaced by T.
Protein change: p.Pro374=; no amino-acid change (proline 374 retained).
Molecular consequence: synonymous variant.
Genome position (GRCh38, 1-based): chr14:104,772,928, G>A on the plus strand (C>T on the coding strand, the complement: AKT1 is on the minus strand). VCF-style: chr14-104772928-G-A. GRCh37 (hg19) VCF-style: chr14-105239265-G-A.
Other names: c.1122C>T, p.Pro374= (NM_001014431.2, NM_001014432.2, NM_001382431.1 and 3 more transcripts).
Identifiers: ClinVar variation 699142 (VCV000699142.36), dbSNP rs374865919, ClinGen allele CA7374564.

ClinVar aggregate classification (germline): Likely benign. Review status: criteria provided, multiple submitters, no conflicts (2 of 4 stars). 4 submissions from 4 submitters: Likely benign (3). 1 of the submissions does not count toward it. Last evaluated 2023-11-08.

Conditions:
AKT1-related disorder. Also called: AKT1-related condition.
Inborn genetic diseases. Identifiers: MedGen C0950123, MeSH D030342.
Cowden syndrome 6 (CWS6). Identifiers: Orphanet 201, MedGen C3554519, MONDO:0014048, OMIM 615109.

Allele frequency attached by ClinVar (database versions not stated): TOPMed 0.00003; gnomAD 0.00004; gnomAD exomes 0.00004 and 0.00007; ExAC 0.00013; ESP Exome Variant Server 0.00015.
gnomAD v4.1: 61 of 1,613,670 alleles (0.0038%); highest among the groups gnomAD compares: Non-Finnish European, 0.005%; no homozygotes.

Submissions (4):

Labcorp Genetics (formerly Invitae), Labcorp
Classification: Likely benign for Cowden syndrome 6. Last evaluated: 2023-11-08. Review status: criteria provided, single submitter. Criteria: Invitae Variant Classification Sherloc (09022015). Collection method: clinical testing. Allele origin: germline.

CeGaT Center for Human Genetics Tuebingen
Classification: Likely benign. Last evaluated: 2022-07-01. Review status: criteria provided, single submitter. Criteria: CeGaT Center For Human Genetics Tuebingen Variant Classification Criteria Version 2. Collection method: clinical testing. Allele origin: germline. Affected: yes. Observed: 1 variant allele.
Comment: AKT1: BP4, BP7

Ambry Genetics
Classification: Likely benign for Inborn genetic diseases. Last evaluated: 2022-02-15. Review status: criteria provided, single submitter. Criteria: Ambry Variant Classification Scheme 2023. Collection method: clinical testing. Allele origin: germline.

PreventionGenetics, part of Exact Sciences
Classification: Likely benign for AKT1-related condition. Last evaluated: 2019-08-13. Review status: no assertion criteria provided. Collection method: clinical testing. Allele origin: germline. Not counted in ClinVar's aggregate classification.
Comment: This variant is classified as likely benign based on ACMG/AMP sequence variant interpretation guidelines (Richards et al. 2015 PMID: 25741868, with internal and published modifications).